The following is an entry in ClinVar:

NM_006389.5(HYOU1):c.1165G>A (p.Val389Ile)

Genes: HYOU1 (hypoxia up-regulated 1; minus strand), LOC130006884 (ATAC-STARR-seq lymphoblastoid active region 5617; plus strand). Cytogenetic location: 11q23.3.
Variant type: single nucleotide variant.
Coding change: c.1165G>A on transcript NM_006389.5 (MANE Select); coding-DNA position 1165, G replaced by A.
Protein change: p.Val389Ile; replaces valine 389 with isoleucine.
Molecular consequence: missense variant.
Genome position (GRCh38, 1-based): chr11:119,052,130, C>T on the plus strand (G>A on the coding strand, the complement: HYOU1 is on the minus strand). VCF-style: chr11-119052130-C-T. GRCh37 (hg19) VCF-style: chr11-118922842-C-T.
Other names: c.1165G>A, p.Val389Ile (NM_001130991.3, NM_001411041.1); short protein forms V389I.
Identifiers: ClinVar variation 3527299 (VCV003527299.3).
Genomic context (GRCh38, chr11:119,052,130, plus strand): 5'-GCTCTAGCCCCCACACTCACTTGCCCACGGCCTTCAGCAGCACCTCCTGAACTCTGGGGA[C>T]CCGAGTGGCCCCACCCACCAGGATCACCTGCTCAATCTCATCCTGCAGTGGGTAAGAATG-3'
Protein context (NP_006380.1, residues 379-399): QVILVGGATR[Val389Ile]PRVQEVLLKA

ClinVar aggregate classification (germline): Uncertain significance. Review status: criteria provided, multiple submitters, no conflicts (2 of 4 stars). 2 submissions from 2 submitters: Uncertain significance (2). Last evaluated 2024-08-28.

Submissions (2):

Ambry Genetics
Classification: Uncertain significance. Last evaluated: 2024-08-28. Review status: criteria provided, single submitter. Criteria: Ambry Variant Classification Scheme 2023. Collection method: clinical testing. Allele origin: germline.

Labcorp Genetics (formerly Invitae), Labcorp
Classification: Uncertain significance. Last evaluated: 2024-03-17. Review status: criteria provided, single submitter. Criteria: Invitae Variant Classification Sherloc (09022015). Collection method: clinical testing. Allele origin: germline.
Comment: This sequence change replaces valine, which is neutral and non-polar, with isoleucine, which is neutral and non-polar, at codon 389 of the HYOU1 protein (p.Val389Ile). This variant is not present in population databases (gnomAD no frequency). This variant has not been reported in the literature in individuals affected with HYOU1-related conditions. An algorithm developed to predict the effect of missense changes on protein structure and function (PolyPhen-2) suggests that this variant is likely to be disruptive. In summary, the available evidence is currently insufficient to determine the role of this variant in disease. Therefore, it has been classified as a Variant of Uncertain Significance.